The following is an entry in ClinVar:

ClinVar aggregate classification (germline): Likely pathogenic (1 of 4 stars; one submission).

Conditions:
Renal cysts and diabetes syndrome (RCAD). Also called: Familial hypoplastic, glomerulocystic kidney; MATURITY-ONSET DIABETES OF THE YOUNG, TYPE 5. Identifiers: Orphanet 93111, MedGen C0431693, MONDO:0007669, OMIM 137920.

Submission:

Institute of Human Genetics, FAU Erlangen, Friedrich-Alexander-Universität Erlangen-Nürnberg
Classification: Likely pathogenic for Renal cysts and diabetes syndrome. Last evaluated: 2019-07-06. Review status: criteria provided, single submitter. Criteria: ACMG Guidelines, 2015. Collection method: literature only. Allele origin: germline. Affected: yes.
Comment: This variant and it's classification has been reported by Vasileiou et al. 2019; DOI:10.1101/576918. The variants has previously been reported in PMID:24897035 as "c.737 T>C p.Leu246Ser" with clinical significance Pathogenic. It has been re-classified using InterVar and manual curation as Likely pathogenic based on PM1 PM2 PP3 PP5.

Literature cited by the submitters: PubMed 24897035; DOI 10.1101/576918.

NM_000458.4(HNF1B):c.737T>C (p.Leu246Ser)

Genes: HNF1B (HNF1 homeobox B; minus strand), LOC126862549 (BRD4-independent group 4 enhancer GRCh37_chr17:36093401-36094600; plus strand). Cytogenetic location: 17q12.
Variant type: single nucleotide variant.
Coding change: c.737T>C on transcript NM_000458.4 (MANE Select); coding-DNA position 737, T replaced by C.
Protein change: p.Leu246Ser; replaces leucine 246 with serine.
Molecular consequence: missense variant.
Genome position (GRCh38, 1-based): chr17:37,733,629, A>G on the plus strand (T>C on the coding strand, the complement: HNF1B is on the minus strand). VCF-style: chr17-37733629-A-G. GRCh37 (hg19) VCF-style: chr17-36093622-A-G.
Other names: c.659T>C, p.Leu220Ser (NM_001165923.4, NM_001304286.2); short protein forms L246S, L220S.
Identifiers: ClinVar variation 635654 (VCV000635654.1), dbSNP rs2511808889, ClinGen allele CA398748367.